The following is an entry in ClinVar:

NM_001204.7(BMPR2):c.19C>T (p.Arg7Trp)

Gene: BMPR2 (bone morphogenetic protein receptor type 2; plus strand). Cytogenetic location: 2q33.1.
Variant type: single nucleotide variant.
Coding change: c.19C>T on transcript NM_001204.7 (MANE Select); coding-DNA position 19, C replaced by T.
Protein change: p.Arg7Trp; replaces arginine 7 with tryptophan.
Molecular consequence: missense variant.
Genome position (GRCh38, 1-based): chr2:202,377,493, C>T. VCF-style: chr2-202377493-C-T. GRCh37 (hg19) VCF-style: chr2-203242216-C-T.
Other names: short protein forms R7W.
Identifiers: ClinVar variation 5033130 (VCV005033130.1).

ClinVar aggregate classification (germline): Uncertain significance (1 of 4 stars; one submission).

Conditions:
Inborn genetic diseases. Identifiers: MedGen C0950123, MeSH D030342.

Submission:

Ambry Genetics
Classification: Uncertain significance for Inborn genetic diseases. Last evaluated: 2026-08-31. Review status: criteria provided, single submitter. Criteria: Ambry Variant Classification Scheme 2023. Collection method: clinical testing. Allele origin: germline.
Comment: The p.R7W variant (also known as c.19C>T), located in coding exon 1 of the BMPR2 gene, results from a C to T substitution at nucleotide position 19. The arginine at codon 7 is replaced by tryptophan, an amino acid with dissimilar properties. This amino acid position is conserved. In addition, the in silico prediction for this alteration is inconclusive. Based on the available evidence, the clinical significance of this variant remains unclear.